The following is an entry in ClinVar:

ClinVar aggregate classification (germline): Pathogenic (1 of 4 stars; one submission).

Conditions:
Exostoses, multiple, type 2 (EXT2). Also called: Hereditary Multiple Osteochondromatosis, Type II; EXOSTOSES, MULTIPLE, TYPE II. Identifiers: Orphanet 321, MedGen C1851413, MONDO:0007586, OMIM 133701.

Submission:

Labcorp Genetics (formerly Invitae), Labcorp
Classification: Pathogenic for Exostoses, multiple, type 2. Last evaluated: 2024-05-09. Review status: criteria provided, single submitter. Criteria: Invitae Variant Classification Sherloc (09022015). Collection method: clinical testing. Allele origin: germline.
Comment: This sequence change creates a premature translational stop signal (p.Tyr226*) in the EXT2 gene. It is expected to result in an absent or disrupted protein product. Loss-of-function variants in EXT2 are known to be pathogenic (PMID: 10679937, 19810120). This variant is not present in population databases (gnomAD no frequency). This premature translational stop signal has been observed in individual(s) with EXT2-related conditions (PMID: 29126381). For these reasons, this variant has been classified as Pathogenic.

Literature cited by the submitters: PubMed 10679937; PubMed 19810120; PubMed 29126381.

NM_207122.2(EXT2):c.678C>A (p.Tyr226Ter)

Gene: EXT2 (exostosin glycosyltransferase 2; plus strand). Cytogenetic location: 11p11.2.
Variant type: single nucleotide variant.
Coding change: c.678C>A on transcript NM_207122.2 (MANE Select); coding-DNA position 678, C replaced by A.
Protein change: p.Tyr226Ter; replaces tyrosine 226 with a stop codon.
Molecular consequence: nonsense.
Genome position (GRCh38, 1-based): chr11:44,114,236, C>A. VCF-style: chr11-44114236-C-A. GRCh37 (hg19) VCF-style: chr11-44135786-C-A.
Other names: c.777C>A, p.Tyr259Ter (NM_000401.3); c.678C>A, p.Tyr226Ter (NM_001178083.3, NM_001389628.1, NM_001389630.1); short protein forms Y259*, Y226*.
Identifiers: ClinVar variation 2735578 (VCV002735578.3), dbSNP rs1406801697, ClinGen allele CA380164454.